The following is an entry in ClinVar:

ClinVar aggregate classification (germline): Uncertain significance (1 of 4 stars; one submission).

Conditions:
Frontotemporal dementia and/or amyotrophic lateral sclerosis 6 (FTDALS6). Also called: VCP-Related Amyotrophic Lateral Sclerosis/Frontotemporal Dementia; VCP-Related Amyotrophic Lateral Sclerosis. Identifiers: Orphanet 275872, Orphanet 803, MedGen C5436279, MONDO:0013501, OMIM 613954.
Inclusion body myopathy with Paget disease of bone and frontotemporal dementia. Also called: Inclusion body myopathy with early-onset Paget disease and frontotemporal dementia. Identifiers: Orphanet 52430, MedGen C1833662, MONDO:0000507.

Allele frequency attached by ClinVar (database versions not stated): ESP Exome Variant Server 0.00008.
gnomAD v4.1: 31 of 1,614,086 alleles (0.0019%); highest among the groups gnomAD compares: African/African-American, 0.0027%; no homozygotes.

Submission:

Labcorp Genetics (formerly Invitae), Labcorp
Classification: Uncertain significance for Inclusion body myopathy with Paget disease of bone and frontotemporal dementia; Frontotemporal dementia and/or amyotrophic lateral sclerosis 6. Last evaluated: 2023-06-30. Review status: criteria provided, single submitter. Criteria: Invitae Variant Classification Sherloc (09022015). Collection method: clinical testing. Allele origin: germline.
Comment: This sequence change replaces serine, which is neutral and polar, with isoleucine, which is neutral and non-polar, at codon 171 of the VCP protein (p.Ser171Ile). This variant is present in population databases (rs200911363, gnomAD 0.0009%). This variant has not been reported in the literature in individuals affected with VCP-related conditions. ClinVar contains an entry for this variant (Variation ID: 640109). Advanced modeling of protein sequence and biophysical properties (such as structural, functional, and spatial information, amino acid conservation, physicochemical variation, residue mobility, and thermodynamic stability) performed at Invitae indicates that this missense variant is not expected to disrupt VCP protein function. In summary, the available evidence is currently insufficient to determine the role of this variant in disease. Therefore, it has been classified as a Variant of Uncertain Significance.

NM_007126.5(VCP):c.512G>T (p.Ser171Ile)

Gene: VCP (valosin containing protein; minus strand). Cytogenetic location: 9p13.3.
Variant type: single nucleotide variant.
Coding change: c.512G>T on transcript NM_007126.5 (MANE Select); coding-DNA position 512, G replaced by T.
Protein change: p.Ser171Ile; replaces serine 171 with isoleucine.
Molecular consequence: missense variant.
Genome position (GRCh38, 1-based): chr9:35,065,315, C>A on the plus strand (G>T on the coding strand, the complement: VCP is on the minus strand). VCF-style: chr9-35065315-C-A. GRCh37 (hg19) VCF-style: chr9-35065312-C-A.
Other names: c.377G>T, p.Ser126Ile (NM_001354927.2, NM_001354928.2); short protein forms S126I, S171I.
Identifiers: ClinVar variation 640109 (VCV000640109.9), dbSNP rs200911363, ClinGen allele CA5039451.